The following is an entry in ClinVar:

ClinVar aggregate classification (germline): Uncertain significance (1 of 4 stars; one submission).

Conditions:
Glycogen storage disease type X (GSD10). Also called: MYOPATHY DUE TO PHOSPHOGLYCERATE MUTASE DEFICIENCY; PGAMM DEFICIENCY; PHOSPHOGLYCERATE MUTASE, MUSCLE, DEFICIENCY OF; Dimauro disease; Glycogen storage disease due to phosphoglycerate mutase deficiency; GSD X. Identifiers: Orphanet 97234, MedGen C0268149, MONDO:0009865, OMIM 261670.

Allele frequency attached by ClinVar (database versions not stated): TOPMed 0.00002; gnomAD 0.00003; ExAC 0.00006.
gnomAD v4.1: 129 of 1,606,334 alleles (0.008%); highest among the groups gnomAD compares: Non-Finnish European, 0.01%; no homozygotes.

Submission:

Labcorp Genetics (formerly Invitae), Labcorp
Classification: Uncertain significance for Glycogen storage disease type X. Last evaluated: 2024-04-25. Review status: criteria provided, single submitter. Criteria: Invitae Variant Classification Sherloc (09022015). Collection method: clinical testing. Allele origin: germline.
Comment: This sequence change replaces arginine, which is basic and polar, with histidine, which is basic and polar, at codon 140 of the PGAM2 protein (p.Arg140His). This variant is present in population databases (rs757821886, gnomAD 0.009%). This variant has not been reported in the literature in individuals affected with PGAM2-related conditions. ClinVar contains an entry for this variant (Variation ID: 2173394). An algorithm developed to predict the effect of missense changes on protein structure and function (PolyPhen-2) suggests that this variant is likely to be disruptive. In summary, the available evidence is currently insufficient to determine the role of this variant in disease. Therefore, it has been classified as a Variant of Uncertain Significance.

NM_000290.4(PGAM2):c.419G>A (p.Arg140His)

Genes: DBNL (drebrin like; plus strand), PGAM2 (phosphoglycerate mutase 2; minus strand). Cytogenetic location: 7p13.
Variant type: single nucleotide variant.
Coding change: c.419G>A on transcript NM_000290.4 (MANE Select); coding-DNA position 419, G replaced by A.
Protein change: p.Arg140His; replaces arginine 140 with histidine.
Molecular consequence: missense variant. On other transcripts: 3 prime UTR variant (6).
Genome position (GRCh38, 1-based): chr7:44,065,008, C>T on the plus strand (G>A on the coding strand, the complement: PGAM2 is on the minus strand). VCF-style: chr7-44065008-C-T. GRCh37 (hg19) VCF-style: chr7-44104607-C-T.
Other names: c.*4092C>T (NM_001014436.3, NM_001122956.2, NM_001284313.2 and 3 more transcripts); short protein forms R140H.
Identifiers: ClinVar variation 2173394 (VCV002173394.3), dbSNP rs757821886, ClinGen allele CA4236578.